The following is an entry in ClinVar:

NM_015978.3(TNNI3K):c.838A>G (p.Asn280Asp)

Genes: FPGT-TNNI3K (FPGT-TNNI3K readthrough; plus strand), TNNI3K (TNNI3 interacting kinase; plus strand). Cytogenetic location: 1p31.1.
Variant type: single nucleotide variant.
Coding change: c.838A>G on transcript NM_015978.3 (MANE Select); coding-DNA position 838, A replaced by G.
Protein change: p.Asn280Asp; replaces asparagine 280 with aspartic acid.
Molecular consequence: missense variant.
Genome position (GRCh38, 1-based): chr1:74,343,085, A>G. VCF-style: chr1-74343085-A-G. GRCh37 (hg19) VCF-style: chr1-74808769-A-G.
Other names: c.1141A>G, p.Asn381Asp (NM_001112808.3, NM_001199327.2); short protein forms N381D, N280D.
Identifiers: ClinVar variation 3695928 (VCV003695928.2).
Genomic context (GRCh38, chr1:74,343,085, plus strand): 5'-ACTGCATGTACTTGCTTACAATATTAACAAGATATTTTCTTCAAATCTAGGGCATGCTAC[A>G]ATGGCAAATTTGAAGTTGCCAAGGAAATCATCCAAATATCAGGAACAGAAAGTCTGACTA-3'
Protein context (NP_057062.1, residues 270-290): GDTPLHLACY[Asn280Asp]GKFEVAKEII

ClinVar aggregate classification (germline): Uncertain significance (1 of 4 stars; one submission).

gnomAD v4.1: 11 of 1,613,494 alleles (0.00068%); highest among the groups gnomAD compares: East Asian, 0.025%; no homozygotes.

Submission:

Labcorp Genetics (formerly Invitae), Labcorp
Classification: Uncertain significance. Last evaluated: 2024-05-27. Review status: criteria provided, single submitter. Criteria: Invitae Variant Classification Sherloc (09022015). Collection method: clinical testing. Allele origin: germline.
Comment: This sequence change replaces asparagine, which is neutral and polar, with aspartic acid, which is acidic and polar, at codon 280 of the TNNI3K protein (p.Asn280Asp). This variant is present in population databases (no rsID available, gnomAD 0.01%). This variant has not been reported in the literature in individuals affected with TNNI3K-related conditions. Advanced modeling of protein sequence and biophysical properties (such as structural, functional, and spatial information, amino acid conservation, physicochemical variation, residue mobility, and thermodynamic stability) performed at Invitae indicates that this missense variant is not expected to disrupt TNNI3K protein function with a negative predictive value of 80%. In summary, the available evidence is currently insufficient to determine the role of this variant in disease. Therefore, it has been classified as a Variant of Uncertain Significance.